The following is an entry in ClinVar:

ClinVar aggregate classification (germline): Conflicting classifications of pathogenicity. Review status: criteria provided, conflicting classifications (1 of 4 stars). 5 submissions from 5 submitters: Uncertain significance (4); Likely benign (1). Last evaluated 2025-12-24.

Conditions:
Hereditary cancer-predisposing syndrome. Also called: Tumor predisposition; Hereditary Cancer Syndrome; Hereditary neoplastic syndrome; Neoplastic Syndromes, Hereditary. Identifiers: Orphanet 140162, MedGen C0027672, MeSH D009386, MONDO:0015356.
Hereditary pheochromocytoma and paraganglioma. Also called: Hereditary paragangliomas and pheochromocytomas; Hereditary Paraganglioma-Pheochromocytoma Syndromes; Hereditary pheochromocytoma-paraganglioma. Identifiers: Orphanet 29072, MedGen C4274332, MONDO:0017366.

Allele frequency attached by ClinVar (database versions not stated): TOPMed below 0.00001; ExAC 0.00001; gnomAD 0.00001; gnomAD exomes 0.00001; 1000 Genomes Project 30x 0.00016; 1000 Genomes Project 0.00020.
gnomAD v4.1: 17 of 1,614,230 alleles (0.0011%); highest among the groups gnomAD compares: Middle Eastern, 0.017%; no homozygotes.

Submissions (5):

Labcorp Genetics (formerly Invitae), Labcorp
Classification: Uncertain significance for Hereditary pheochromocytoma and paraganglioma. Last evaluated: 2025-12-24. Review status: criteria provided, single submitter. Criteria: Invitae Variant Classification Sherloc (09022015). Collection method: clinical testing. Allele origin: germline.
Comment: This sequence change replaces threonine, which is neutral and polar, with isoleucine, which is neutral and non-polar, at codon 9 of the SDHAF2 protein (p.Thr9Ile). This variant is present in population databases (rs552102107, gnomAD 0.007%). This variant has not been reported in the literature in individuals affected with SDHAF2-related conditions. ClinVar contains an entry for this variant (Variation ID: 1460834). An algorithm developed to predict the effect of missense changes on protein structure and function outputs the following: PolyPhen-2: "Benign". The isoleucine amino acid residue is found in multiple mammalian species, which suggests that this missense change does not adversely affect protein function. Algorithms developed to predict the effect of sequence changes on RNA splicing suggest that this variant may create or strengthen a splice site. In summary, the available evidence is currently insufficient to determine the role of this variant in disease. Therefore, it has been classified as a Variant of Uncertain Significance.

Color Diagnostics, LLC DBA Color Health
Classification: Uncertain significance for Hereditary pheochromocytoma and paraganglioma. Last evaluated: 2025-06-17. Review status: criteria provided, single submitter. Criteria: ACMG Guidelines, 2015. Collection method: clinical testing. Allele origin: germline.
Comment: This missense variant replaces threonine with isoleucine at codon 9 of the SDHAF2 protein. Computational prediction suggests that this variant may not impact protein structure and function. To our knowledge, functional studies have not been reported for this variant. This variant has not been reported in individuals affected with SDHAF2-related disorders in the literature. This variant has been identified in 2/250776 chromosomes in the general population by the Genome Aggregation Database (gnomAD). The available evidence is insufficient to determine the role of this variant in disease conclusively. Therefore, this variant is classified as a Variant of Uncertain Significance.

GeneDx
Classification: Uncertain significance. Last evaluated: 2025-02-11. Review status: criteria provided, single submitter. Criteria: GeneDx Variant Classification Process June 2021. Collection method: clinical testing. Allele origin: germline. Affected: yes.
Comment: Not observed at significant frequency in large population cohorts (gnomAD); In silico analysis suggests that this missense variant does not alter protein structure/function; Has not been previously published as pathogenic or benign to our knowledge

Ambry Genetics
Classification: Likely benign for Hereditary cancer-predisposing syndrome. Last evaluated: 2024-08-05. Review status: criteria provided, single submitter. Criteria: Ambry Variant Classification Scheme 2023. Collection method: clinical testing. Allele origin: germline.

All of Us Research Program, National Institutes of Health
Classification: Uncertain significance for Hereditary pheochromocytoma and paraganglioma. Last evaluated: 2023-03-28. Review status: criteria provided, single submitter. Criteria: ACMG Guidelines, 2015. Collection method: clinical testing. Allele origin: germline. Inheritance: Autosomal dominant inheritance. Observed: 1 variant allele, 1 heterozygote.
Comment: This study involves interpretation of variants in research participants for the purpose of population health screening. Participant phenotype was not available at the time of variant classification. Additional details can be found in publication PMID: 35346344, PMCID: PMC8962531

NM_017841.4(SDHAF2):c.26C>T (p.Thr9Ile)

Gene: SDHAF2 (succinate dehydrogenase complex assembly factor 2; plus strand). Cytogenetic location: 11q12.2.
Variant type: single nucleotide variant.
Coding change: c.26C>T on transcript NM_017841.4 (MANE Select); coding-DNA position 26, C replaced by T.
Protein change: p.Thr9Ile; replaces threonine 9 with isoleucine.
Molecular consequence: missense variant.
Genome position (GRCh38, 1-based): chr11:61,430,172, C>T. VCF-style: chr11-61430172-C-T. GRCh37 (hg19) VCF-style: chr11-61197644-C-T.
Other names: short protein forms T9I.
Identifiers: ClinVar variation 1460834 (VCV001460834.13), dbSNP rs552102107, ClinGen allele CA058331.